The following is an entry in ClinVar:

NM_000395.3(CSF2RB):c.2593G>A (p.Val865Met)

Gene: CSF2RB (colony stimulating factor 2 receptor subunit beta; plus strand). Cytogenetic location: 22q12.3.
Variant type: single nucleotide variant.
Coding change: c.2593G>A on transcript NM_000395.3 (MANE Select); coding-DNA position 2593, G replaced by A.
Protein change: p.Val865Met; replaces valine 865 with methionine.
Molecular consequence: missense variant.
Genome position (GRCh38, 1-based): chr22:36,938,401, G>A. VCF-style: chr22-36938401-G-A. GRCh37 (hg19) VCF-style: chr22-37334443-G-A.
Other names: c.2611G>A, p.Val871Met (NM_001410827.1); short protein forms V871M, V865M.
Identifiers: ClinVar variation 2169836 (VCV002169836.4), dbSNP rs748290264, ClinGen allele CA10214160.
Genomic context (GRCh38, chr22:36,938,401, plus strand): 5'-GGTCCTGAGATCAAGAACCTAGACCAGGCTTTTCAAGTCAAGAAGCCCCCAGGCCAGGCT[G>A]TGCCCCAGGTGCCCGTCATTCAGCTCTTCAAAGCCCTGAAGCAGCAGGACTACCTGTCTC-3'
Protein context (NP_000386.1, residues 855-875): FQVKKPPGQA[Val865Met]PQVPVIQLFK

ClinVar aggregate classification (germline): Uncertain significance (1 of 4 stars; one submission).

Allele frequency attached by ClinVar (database versions not stated): gnomAD exomes below 0.00001; ExAC 0.00001; TOPMed 0.00001.
gnomAD v4.1: 4 of 1,614,168 alleles (0.00025%); highest among the groups gnomAD compares: East Asian, 0.0022%; no homozygotes.

Submission:

Labcorp Genetics (formerly Invitae), Labcorp
Classification: Uncertain significance. Last evaluated: 2023-05-23. Review status: criteria provided, single submitter. Criteria: Invitae Variant Classification Sherloc (09022015). Collection method: clinical testing. Allele origin: germline.
Comment: In summary, the available evidence is currently insufficient to determine the role of this variant in disease. Therefore, it has been classified as a Variant of Uncertain Significance. Algorithms developed to predict the effect of missense changes on protein structure and function output the following: SIFT: "Not Available"; PolyPhen-2: "Benign"; Align-GVGD: "Not Available". The methionine amino acid residue is found in multiple mammalian species, which suggests that this missense change does not adversely affect protein function. ClinVar contains an entry for this variant (Variation ID: 2169836). This variant has not been reported in the literature in individuals affected with CSF2RB-related conditions. This variant is present in population databases (rs748290264, gnomAD 0.006%). This sequence change replaces valine, which is neutral and non-polar, with methionine, which is neutral and non-polar, at codon 865 of the CSF2RB protein (p.Val865Met).